The following is an entry in ClinVar:

ClinVar aggregate classification (germline): Uncertain significance. Review status: criteria provided, multiple submitters, no conflicts (2 of 4 stars). 3 submissions from 3 submitters: Uncertain significance (3). Last evaluated 2023-03-20.

Conditions:
Fanconi anemia complementation group J. Also called: BRIP1-Related Fanconi Anemia. Identifiers: Orphanet 84, MedGen C1836860, MONDO:0012187, OMIM 609054.
Familial cancer of breast. Also called: BREAST CANCER, FAMILIAL; hereditary breast carcinoma; Hereditary breast cancer. Identifiers: Orphanet 227535, MedGen C0346153, MONDO:0016419, OMIM 114480. Disease mechanism: loss of function.
Hereditary cancer-predisposing syndrome. Also called: Hereditary Cancer Syndrome; Hereditary neoplastic syndrome; Neoplastic Syndromes, Hereditary; Tumor predisposition. Identifiers: Orphanet 140162, MedGen C0027672, MeSH D009386, MONDO:0015356.

Allele frequency attached by ClinVar (database versions not stated): gnomAD exomes below 0.00001.
gnomAD v4.1: 1 of 1,613,520 alleles (0.000062%); highest among the groups gnomAD compares: Non-Finnish European, 0.000085%; no homozygotes.

Submissions (3):

Ambry Genetics
Classification: Uncertain significance for Hereditary cancer-predisposing syndrome. Last evaluated: 2023-03-20. Review status: criteria provided, single submitter. Criteria: Ambry Variant Classification Scheme 2023. Collection method: clinical testing. Allele origin: germline.
Comment: The c.2257+3A>G intronic variant results from an A to G substitution 3 nucleotides after coding exon 14 in the BRIP1 gene. This nucleotide position is well conserved in available vertebrate species. In silico splice site analysis predicts that this alteration may weaken the native splice donor site; however, direct evidence is insufficient at this time (Ambry internal data). Since supporting evidence is limited at this time, the clinical significance of this alteration remains unclear.

Color Diagnostics, LLC DBA Color Health
Classification: Uncertain significance for Hereditary cancer-predisposing syndrome. Last evaluated: 2021-02-16. Review status: criteria provided, single submitter. Criteria: ACMG Guidelines, 2015. Collection method: clinical testing. Allele origin: germline.
Comment: This variant causes an A to G nucleotide substitution at the +3 position of intron 15 of the BRIP1 gene. Splice site prediction tools suggest that this variant may impact RNA splicing, although this prediction has not been confirmed in published RNA studies. To our knowledge, this variant has not been reported in individuals affected with hereditary cancer in the literature. This variant has not been identified in the general population by the Genome Aggregation Database (gnomAD). The available evidence is insufficient to determine the role of this variant in disease conclusively. Therefore, this variant is classified as a Variant of Uncertain Significance.

Labcorp Genetics (formerly Invitae), Labcorp
Classification: Uncertain significance for Familial cancer of breast; Fanconi anemia complementation group J. Last evaluated: 2020-12-20. Review status: criteria provided, single submitter. Criteria: Invitae Variant Classification Sherloc (09022015). Collection method: clinical testing. Allele origin: germline.
Comment: This sequence change falls in intron 15 of the BRIP1 gene. It does not directly change the encoded amino acid sequence of the BRIP1 protein. It affects a nucleotide within the consensus splice site of the intron. This variant is not present in population databases (ExAC no frequency). This variant has not been reported in the literature in individuals with BRIP1-related conditions. Nucleotide substitutions within the consensus splice site are a relatively common cause of aberrant splicing (PMID: 17576681, 9536098). Algorithms developed to predict the effect of sequence changes on RNA splicing suggest that this variant may disrupt the consensus splice site, but this prediction has not been confirmed by published transcriptional studies. In summary, the available evidence is currently insufficient to determine the role of this variant in disease. Therefore, it has been classified as a Variant of Uncertain Significance.

Literature cited by the submitters: PubMed 17576681 (cited by Labcorp Genetics (formerly Invitae), Labcorp); PubMed 9536098 (cited by Labcorp Genetics (formerly Invitae), Labcorp).

NM_032043.3(BRIP1):c.2257+3A>G

Gene: BRIP1 (BRCA1 interacting DNA helicase 1; minus strand). Cytogenetic location: 17q23.2.
Variant type: single nucleotide variant.
Coding change: c.2257+3A>G on transcript NM_032043.3 (MANE Select); 3 bases into the intron after coding-DNA position 2257, A replaced by G.
Molecular consequence: intron variant.
Genome position (GRCh38, 1-based): chr17:61,744,429, T>C on the plus strand (A>G on the coding strand, the complement: BRIP1 is on the minus strand). VCF-style: chr17-61744429-T-C. GRCh37 (hg19) VCF-style: chr17-59821790-T-C.
Identifiers: ClinVar variation 1332023 (VCV001332023.11), dbSNP rs2144694655, ClinGen allele CA2573054532.